The following is an entry in ClinVar:

ClinVar aggregate classification (germline): Pathogenic (1 of 4 stars; one submission).

Conditions:
Global developmental delay with or without impaired intellectual development. Identifiers: MedGen C5193032, MONDO:0032680, OMIM 618330.

Submission:

Victorian Clinical Genetics Services, Murdoch Childrens Research Institute
Classification: Pathogenic for Global developmental delay with or without impaired intellectual development. Last evaluated: 2023-07-17. Review status: criteria provided, single submitter. Criteria: ACMG Guidelines, 2015. Collection method: clinical testing. Allele origin: germline. Inheritance: Autosomal dominant inheritance. Affected: yes.
Comment: Based on the classification scheme VCGS_Germline_v1.3.4, this variant is classified as Pathogenic. Following criteria are met: 0102 - Loss of function is a known mechanism of disease in this gene and is associated with global developmental delay with or without impaired intellectual development (MIM#618330). (I) 0107 - This gene is associated with autosomal dominant disease. (I) 0201 - Variant is predicted to cause nonsense-mediated decay (NMD) and loss of protein (premature termination codon is located at least 54 nucleotides upstream of the final exon-exon junction). (SP) 0251 - This variant is heterozygous. (I) 0301 - Variant is absent from gnomAD (both v2 and v3). (SP) 0701 - Other NMD predicted variants comparable to the one identified in this case have very strong previous evidence for pathogenicity (DECIPHER). (SP) 0807 - This variant has no previous evidence of pathogenicity. (I) 0905 - No published segregation evidence has been identified for this variant. (I) 1007 - No published functional evidence has been identified for this variant. (I) 1208 - Inheritance information for this variant is not currently available in this individual. (I) Legend: (SP) - Supporting pathogenic, (I) - Information, (SB) - Supporting benign

NM_181552.4(CUX1):c.2053C>T (p.Gln685Ter)

Gene: CUX1 (cut like homeobox 1; plus strand). Cytogenetic location: 7q22.1.
Variant type: single nucleotide variant.
Coding change: c.2053C>T on transcript NM_181552.4 (MANE Select); coding-DNA position 2053, C replaced by T.
Protein change: p.Gln685Ter; replaces glutamine 685 with a stop codon.
Molecular consequence: nonsense. On other transcripts: intron variant (5).
Genome position (GRCh38, 1-based): chr7:102,200,163, C>T. VCF-style: chr7-102200163-C-T. GRCh37 (hg19) VCF-style: chr7-101843443-C-T.
Other names: c.2086C>T, p.Gln696Ter (NM_001202543.2); c.1255+4560C>T (NM_001913.5); c.1249+4560C>T (NM_181500.4); c.1117+4560C>T (NM_001202545.3); c.1207+4560C>T (NM_001202544.3); c.1138+4560C>T (NM_001202546.3); short protein forms Q685*, Q696*.
Identifiers: ClinVar variation 3254744 (VCV003254744.1), dbSNP rs2485417977.